The following is an entry in ClinVar:

ClinVar aggregate classification (germline): Conflicting classifications of pathogenicity. Review status: criteria provided, conflicting classifications (1 of 4 stars). 4 submissions from 4 submitters: Likely pathogenic (1); Uncertain significance (3). Last evaluated 2026-08-03.

Conditions:
Cardiovascular phenotype. Identifiers: MedGen CN230736.
Hypertrophic cardiomyopathy 12. Identifiers: MedGen C2677491, MONDO:0012804, OMIM 612124.
Dilated cardiomyopathy 1M (CMD1M). Identifiers: Orphanet 154, MedGen C1843808, MONDO:0011840, OMIM 607482.
Cardiomyopathy (CMYO). Also called: Cardiomyopathies. Identifiers: Orphanet 167848, MedGen C0878544, MONDO:0004994, HP:0001638. Inheritance: Various modes of inheritance.

Submissions (4):

Ambry Genetics
Classification: Uncertain significance for Cardiovascular phenotype. Last evaluated: 2026-08-03. Review status: criteria provided, single submitter. Criteria: Ambry Variant Classification Scheme 2023. Collection method: clinical testing. Allele origin: germline.
Comment: The c.457_458delAG variant, located in coding exon 4 of the CSRP3 gene, results from a deletion of two nucleotides at nucleotide positions 457 to 458, causing a translational frameshift with a predicted alternate stop codon (p.L154Gfs*7). This alteration occurs at the 3' terminus of theCSRP3 gene, is not expected to trigger nonsense-mediated mRNAdecay, and only impacts the last 35 amino acids of the protein. The exact functional effect of this alteration is unknown. Based on the available evidence, the clinical significance of this variant remains unclear.

Labcorp Genetics (formerly Invitae), Labcorp
Classification: Likely pathogenic for Hypertrophic cardiomyopathy 12; Dilated cardiomyopathy 1M. Last evaluated: 2026-02-02. Review status: criteria provided, single submitter. Criteria: Invitae Variant Classification Sherloc (09022015). Collection method: clinical testing. Allele origin: germline.
Comment: This sequence change creates a premature translational stop signal (p.Leu154Glyfs*7) in the CSRP3 gene. While this is not anticipated to result in nonsense mediated decay, it is expected to disrupt the last 41 amino acid(s) of the CSRP3 protein. This variant is present in population databases (rs748393033, gnomAD 0.02%). This premature translational stop signal has been observed in individuals with hypertrophic cardiomyopathy (internal data). ClinVar contains an entry for this variant (Variation ID: 855956). This variant disrupts a region of the CSRP3 protein in which other variant(s) (p.Asn175Ser) have been observed in individuals with CSRP3-related conditions (internal data). This suggests that this is a clinically significant region of the protein, and that variants that disrupt it are likely to be disease-causing. In summary, the currently available evidence indicates that the variant is pathogenic, but additional data are needed to prove that conclusively. Therefore, this variant has been classified as Likely Pathogenic.

CHEO Genetics Diagnostic Laboratory, Children's Hospital of Eastern Ontario
Classification: Uncertain significance for Cardiomyopathy. Last evaluated: 2020-10-01. Review status: criteria provided, single submitter. Criteria: ACMG Guidelines, 2015. Collection method: clinical testing. Allele origin: germline.

Center for Genomics, Ann and Robert H. Lurie Children's Hospital of Chicago
Classification: Uncertain significance for Dilated cardiomyopathy 1M; Hypertrophic cardiomyopathy 12. Review status: criteria provided, single submitter. Criteria: ACMG Guidelines, 2015. Collection method: clinical testing. Allele origin: germline.
Comment: CSRP3 NM_003476.4 exon 6 p.Leu154Glyfs*7 (c.457_458del): This variant has not been reported in the literature, but is present in 4/24026 African alleles in the Genome Aggregation Database. Evolutionary conservation and computational predictive tools for this variant are limited or unavailable. This variant creates a premature stop codon 7 amino acids downstream from this location which may result in an absent or abnormal protein; however due to its position in the penultimate exon, it is possible that this protein may escape nonsense mediated decay. Further studies are needed to understand its impact. In summary, data on this variant is suspicious for disease, but requires further evidence for pathogenicity. Therefore, the clinical significance of this variant is uncertain.

Literature cited by the submitters: PubMed 38456273 (cited by Ambry Genetics).

NM_003476.5(CSRP3):c.457_458del (p.Leu154fs)

Gene: CSRP3 (cysteine and glycine rich protein 3; minus strand). Cytogenetic location: 11p15.1.
Variant type: Microsatellite.
Coding change: c.457_458del on transcript NM_003476.5 (MANE Select); coding-DNA positions 457 to 458, 2 bases deleted (AG; older notation c.457_458delAG).
Protein change: p.Leu154fs; shifts the reading frame from leucine 154.
Molecular consequence: frameshift variant.
Genome position (GRCh38, 1-based): chr11:19,185,002-19,185,003, CT deleted on the plus strand (AG on the coding strand, the reverse complement: CSRP3 is on the minus strand); deleting any 2 consecutive bases within chr11:19,185,002-19,185,005 gives the same sequence; the c. name uses the placement nearest the transcript's 3' end. VCF-style (leftmost placement, unchanged base first): chr11-19185001-ACT-A. GRCh37 (hg19) VCF-style: chr11-19206548-ACT-A.
Other names: c.288_289del, p.Arg96fs (NM_001369404.1); short protein forms R96fs, L154fs.
Identifiers: ClinVar variation 855956 (VCV000855956.16), dbSNP rs748393033, ClinGen allele CA5916537.